The following is an entry in ClinVar:

NM_020877.5(DNAH2):c.468A>T (p.Ala156=)

Gene: DNAH2 (dynein axonemal heavy chain 2; plus strand). Cytogenetic location: 17p13.1.
Variant type: single nucleotide variant.
Coding change: c.468A>T on transcript NM_020877.5 (MANE Select); coding-DNA position 468, A replaced by T.
Protein change: p.Ala156=; no amino-acid change (alanine 156 retained).
Molecular consequence: synonymous variant.
Genome position (GRCh38, 1-based): chr17:7,733,155, A>T. VCF-style: chr17-7733155-A-T. GRCh37 (hg19) VCF-style: chr17-7636473-A-T.
Other names: c.468A>T (NM_020877.3); c.468A>T, p.Ala156= (NM_001303270.2).
Identifiers: ClinVar variation 2647369 (VCV002647369.26), dbSNP rs144172284, ClinGen allele CA8355862.

ClinVar aggregate classification (germline): Likely benign. Review status: criteria provided, multiple submitters, no conflicts (2 of 4 stars). 3 submissions from 3 submitters: Likely benign (2). 1 of the submissions does not count toward it. Last evaluated 2025-12-01.

Conditions:
DNAH2-related disorder. Also called: DNAH2-related condition.

Allele frequency attached by ClinVar (database versions not stated): gnomAD exomes 0.00072; 1000 Genomes Project 30x 0.00094; 1000 Genomes Project 0.00100; ExAC 0.00100; gnomAD 0.00114; TOPMed 0.00117; ESP Exome Variant Server 0.00123.
gnomAD v4.1: 1,325 of 1,614,188 alleles (0.082%); highest among the groups gnomAD compares: Middle Eastern, 0.4%; 16 homozygotes.

Submissions (3):

CeGaT Center for Human Genetics Tuebingen
Classification: Likely benign. Last evaluated: 2025-12-01. Review status: criteria provided, single submitter. Criteria: CeGaT Center For Human Genetics Tuebingen Variant Classification Criteria Version 2. Collection method: clinical testing. Allele origin: germline. Affected: yes. Observed: 3 variant alleles.
Comment: DNAH2: BP4, BP7

Blueprint Genetics
Classification: Likely benign. Last evaluated: 2024-10-03. Review status: criteria provided, single submitter. Criteria: ACMG Guidelines, 2015. Collection method: clinical testing. Allele origin: germline.

PreventionGenetics, part of Exact Sciences
Classification: Benign for DNAH2-related condition. Last evaluated: 2019-05-21. Review status: no assertion criteria provided. Collection method: clinical testing. Allele origin: germline. Not counted in ClinVar's aggregate classification.
Comment: This variant is classified as benign based on ACMG/AMP sequence variant interpretation guidelines (Richards et al. 2015 PMID: 25741868, with internal and published modifications).